The following is an entry in ClinVar:

ClinVar aggregate classification (germline): Uncertain significance (1 of 4 stars; one submission).

Submission:

Labcorp Genetics (formerly Invitae), Labcorp
Classification: Uncertain significance. Last evaluated: 2024-01-31. Review status: criteria provided, single submitter. Criteria: Invitae Variant Classification Sherloc (09022015). Collection method: clinical testing. Allele origin: germline.
Comment: This sequence change replaces glutamine, which is neutral and polar, with glutamic acid, which is acidic and polar, at codon 32 of the SERPING1 protein (p.Gln32Glu). This variant is not present in population databases (gnomAD no frequency). This variant has not been reported in the literature in individuals affected with SERPING1-related conditions. Advanced modeling of protein sequence and biophysical properties (such as structural, functional, and spatial information, amino acid conservation, physicochemical variation, residue mobility, and thermodynamic stability) performed at Invitae indicates that this missense variant is not expected to disrupt SERPING1 protein function with a negative predictive value of 95%. In summary, the available evidence is currently insufficient to determine the role of this variant in disease. Therefore, it has been classified as a Variant of Uncertain Significance.

NM_000062.3(SERPING1):c.94C>G (p.Gln32Glu)

Gene: SERPING1 (serpin family G member 1; plus strand). Cytogenetic location: 11q12.1.
Variant type: single nucleotide variant.
Coding change: c.94C>G on transcript NM_000062.3 (MANE Select); coding-DNA position 94, C replaced by G.
Protein change: p.Gln32Glu; replaces glutamine 32 with glutamic acid.
Molecular consequence: missense variant.
Genome position (GRCh38, 1-based): chr11:57,599,921, C>G. VCF-style: chr11-57599921-C-G. GRCh37 (hg19) VCF-style: chr11-57367394-C-G.
Other names: c.94C>G, p.Gln32Glu (NM_001032295.2); short protein forms Q32E.
Identifiers: ClinVar variation 2712038 (VCV002712038.3), dbSNP rs2495425114, ClinGen allele CA380694331.